The following is an entry in ClinVar:

ClinVar aggregate classification (germline): Benign/Likely benign. Review status: criteria provided, multiple submitters, no conflicts (2 of 4 stars). 4 submissions from 4 submitters: Benign (2); Likely benign (1). 1 of the submissions does not count toward it. Last evaluated 2025-12-19.

Conditions:
ITGA2B-related disorder. Also called: ITGA2B-related condition; ITGA2B-related disorders.
Glanzmann thrombasthenia. Also called: PLATELET GLYCOPROTEIN IIb-IIIa DEFICIENCY; THROMBASTHENIA OF GLANZMANN AND NAEGELI; Glanzmann's thrombasthenia; Thrombasthenia. Identifiers: Orphanet 849, MedGen C0040015, MONDO:0100326.

Allele frequency attached by ClinVar (database versions not stated): ExAC 0.00046; 1000 Genomes Project 30x 0.00109; 1000 Genomes Project 0.00120; ESP Exome Variant Server 0.00146; TOPMed 0.00164; gnomAD 0.00169.
gnomAD v4.1: 516 of 1,607,780 alleles (0.032%); highest among the groups gnomAD compares: African/African-American, 0.62%; 2 homozygotes.

Submissions (4):

Labcorp Genetics (formerly Invitae), Labcorp
Classification: Benign for Glanzmann thrombasthenia. Last evaluated: 2025-12-19. Review status: criteria provided, single submitter. Criteria: Invitae Variant Classification Sherloc (09022015). Collection method: clinical testing. Allele origin: germline.

Blueprint Genetics
Classification: Likely benign. Last evaluated: 2024-11-25. Review status: criteria provided, single submitter. Criteria: ACMG Guidelines, 2015. Collection method: clinical testing. Allele origin: germline.

Women's Health and Genetics/Laboratory Corporation of America, LabCorp
Classification: Benign. Last evaluated: 2024-03-26. Review status: criteria provided, single submitter. Criteria: LabCorp Variant Classification Summary - May 2015. Collection method: clinical testing. Allele origin: germline.
Comment: Variant summary: ITGA2B c.2094+10C>A alters a non-conserved nucleotide located at a position not widely known to affect splicing. Consensus agreement among computation tools predict no significant impact on normal splicing. However, these predictions have yet to be confirmed by functional studies. The variant allele was found at a frequency of 0.00035 in 245552 control chromosomes, predominantly at a frequency of 0.0047 within the African or African-American subpopulation in the gnomAD database, including 1 homozygote. The observed variant frequency within African or African-American control individuals in the gnomAD database exceeds the estimated maximal expected allele frequency for a pathogenic variant in ITGA2B causing ITGA2B-Related Disorders phenotype, strongly suggesting that the variant is a benign polymorphism found primarily in populations of African or African-American origin. To our knowledge, no occurrence of c.2094+10C>A in individuals affected with ITGA2B-Related Disorders and no experimental evidence demonstrating its impact on protein function have been reported. ClinVar contains an entry for this variant (Variation ID: 1979547). Based on the evidence outlined above, the variant was classified as benign.

PreventionGenetics, part of Exact Sciences
Classification: Likely benign for ITGA2B-related condition. Last evaluated: 2019-07-23. Review status: no assertion criteria provided. Collection method: clinical testing. Allele origin: germline. Not counted in ClinVar's aggregate classification.
Comment: This variant is classified as likely benign based on ACMG/AMP sequence variant interpretation guidelines (Richards et al. 2015 PMID: 25741868, with internal and published modifications).

NM_000419.5(ITGA2B):c.2094+10C>A

Gene: ITGA2B (integrin subunit alpha 2b; minus strand). Cytogenetic location: 17q21.31.
Variant type: single nucleotide variant.
Coding change: c.2094+10C>A on transcript NM_000419.5 (MANE Select); 10 bases into the intron after coding-DNA position 2094, C replaced by A.
Molecular consequence: intron variant.
Genome position (GRCh38, 1-based): chr17:44,378,352, G>T on the plus strand (C>A on the coding strand, the complement: ITGA2B is on the minus strand). VCF-style: chr17-44378352-G-T. GRCh37 (hg19) VCF-style: chr17-42455720-G-T.
Other names: c.2094+10C>A (NM_000419.4).
Identifiers: ClinVar variation 1979547 (VCV001979547.8), dbSNP rs78830926, ClinGen allele CA8602835.